The following is an entry in ClinVar:

NM_152722.5(HEPACAM):c.877+8C>T

Gene: HEPACAM (hepatic and glial cell adhesion molecule; minus strand). Cytogenetic location: 11q24.2.
Variant type: single nucleotide variant.
Coding change: c.877+8C>T on transcript NM_152722.5 (MANE Select); 8 bases into the intron after coding-DNA position 877, C replaced by T.
Molecular consequence: intron variant.
Genome position (GRCh38, 1-based): chr11:124,922,737, G>A on the plus strand (C>T on the coding strand, the complement: HEPACAM is on the minus strand). VCF-style: chr11-124922737-G-A. GRCh37 (hg19) VCF-style: chr11-124792633-G-A.
Identifiers: ClinVar variation 733226 (VCV000733226.12), dbSNP rs201999470, ClinGen allele CA6345621.

ClinVar aggregate classification (germline): Benign/Likely benign. Review status: criteria provided, multiple submitters, no conflicts (2 of 4 stars). 4 submissions from 4 submitters: Benign (1); Likely benign (2). 1 of the submissions does not count toward it. Last evaluated 2025-03-27.

Conditions:
HEPACAM-related disorder. Also called: HEPACAM-related condition.

Allele frequency attached by ClinVar (database versions not stated): gnomAD 0.00009; gnomAD exomes 0.00009 and 0.00045; 1000 Genomes Project 30x 0.00016; 1000 Genomes Project 0.00020; TOPMed 0.00026; ExAC 0.00038.
gnomAD v4.1: 136 of 1,614,182 alleles (0.0084%); highest among the groups gnomAD compares: Admixed American, 0.22%; no homozygotes.

Submissions (4):

Labcorp Genetics (formerly Invitae), Labcorp
Classification: Benign. Last evaluated: 2025-03-27. Review status: criteria provided, single submitter. Criteria: Invitae Variant Classification Sherloc (09022015). Collection method: clinical testing. Allele origin: germline.

Blueprint Genetics
Classification: Likely benign. Last evaluated: 2021-08-19. Review status: criteria provided, single submitter. Criteria: ACMG Guidelines, 2015. Collection method: clinical testing. Allele origin: germline.

GeneDx
Classification: Likely benign. Last evaluated: 2021-05-20. Review status: criteria provided, single submitter. Criteria: GeneDx Variant Classification Process June 2021. Collection method: clinical testing. Allele origin: germline. Affected: yes.

PreventionGenetics, part of Exact Sciences
Classification: Likely benign for HEPACAM-related condition. Last evaluated: 2024-05-07. Review status: no assertion criteria provided. Collection method: clinical testing. Allele origin: germline. Not counted in ClinVar's aggregate classification.
Comment: This variant is classified as likely benign based on ACMG/AMP sequence variant interpretation guidelines (Richards et al. 2015 PMID: 25741868, with internal and published modifications).